The following is an entry in ClinVar:

ClinVar aggregate classification (germline): Uncertain significance. Review status: criteria provided, multiple submitters, no conflicts (2 of 4 stars). 2 submissions from 2 submitters: Uncertain significance (2). Last evaluated 2022-02-20.

Conditions:
Primary ciliary dyskinesia. Also called: Ciliary dyskinesia. Identifiers: Orphanet 244, MedGen C0008780, MONDO:0016575, HP:0012265.

Allele frequency attached by ClinVar (database versions not stated): TOPMed below 0.00001; gnomAD 0.00001; gnomAD exomes below 0.00001.
gnomAD v4.1: 2 of 1,613,678 alleles (0.00012%); highest among the groups gnomAD compares: Non-Finnish European, 0.00017%; no homozygotes.

Submissions (2):

Labcorp Genetics (formerly Invitae), Labcorp
Classification: Uncertain significance for Primary ciliary dyskinesia. Last evaluated: 2022-02-20. Review status: criteria provided, single submitter. Criteria: Invitae Variant Classification Sherloc (09022015). Collection method: clinical testing. Allele origin: germline.
Comment: ClinVar contains an entry for this variant (Variation ID: 194119). This variant has not been reported in the literature in individuals affected with DNAI2-related conditions. This variant is not present in population databases (gnomAD no frequency). This sequence change replaces aspartic acid, which is acidic and polar, with valine, which is neutral and non-polar, at codon 540 of the DNAI2 protein (p.Asp540Val). Algorithms developed to predict the effect of missense changes on protein structure and function (SIFT, PolyPhen-2, Align-GVGD) all suggest that this variant is likely to be tolerated. In summary, the available evidence is currently insufficient to determine the role of this variant in disease. Therefore, it has been classified as a Variant of Uncertain Significance.

Eurofins Ntd Llc (ga)
Classification: Uncertain significance. Last evaluated: 2014-07-22. Review status: criteria provided, single submitter. Criteria: EGL Classification Definitions 2015. Collection method: clinical testing. Allele origin: germline. Observed: 1 variant allele, 1 heterozygote.

NM_023036.6(DNAI2):c.1619A>T (p.Asp540Val)

Gene: DNAI2 (dynein axonemal intermediate chain 2; plus strand). Cytogenetic location: 17q25.1.
Variant type: single nucleotide variant.
Coding change: c.1619A>T on transcript NM_023036.6 (MANE Select); coding-DNA position 1619, A replaced by T.
Protein change: p.Asp540Val; replaces aspartic acid 540 with valine.
Molecular consequence: missense variant.
Genome position (GRCh38, 1-based): chr17:74,312,127, A>T. VCF-style: chr17-74312127-A-T. GRCh37 (hg19) VCF-style: chr17-72308266-A-T.
Other names: c.1583A>T, p.Asp528Val (NM_001172810.3); c.1619A>T, p.Asp540Val (NM_001353167.2); short protein forms D540V, D528V.
Identifiers: ClinVar variation 194119 (VCV000194119.10), dbSNP rs794727074, ClinGen allele CA239941.
Genomic context (GRCh38, chr17:74,312,127, plus strand): 5'-AGGAGAAGGGTAAGGCGGAGGGCAGGGATGAGGAGCAGACCGATGAGGAGCTGGCCGTAG[A>T]CCTGGAGGCGCTGGTCAGCAAGGCCGAGGAGGAGTTCTTCGACATCATCTTCGCAGAGCT-3'
Protein context (NP_075462.3, residues 530-550): EEQTDEELAV[Asp540Val]LEALVSKAEE